The following is an entry in ClinVar:

ClinVar aggregate classification (germline): Uncertain significance (1 of 4 stars; one submission).

Conditions:
Bardet-Biedl syndrome (BBS). Identifiers: Orphanet 110, MedGen C0752166, MONDO:0015229.
McKusick-Kaufman syndrome (MKKS). Also called: HYDROMETROCOLPOS SYNDROME; HYDROMETROCOLPOS, POSTAXIAL POLYDACTYLY, AND CONGENITAL HEART MALFORMATION. Identifiers: Orphanet 2473, MedGen C0948368, MONDO:0009367, OMIM 236700.

Allele frequency attached by ClinVar (database versions not stated): gnomAD exomes below 0.00001.
gnomAD v4.1: 2 of 1,614,064 alleles (0.00012%); highest among the groups gnomAD compares: Non-Finnish European, 0.00017%; no homozygotes.

Submission:

Labcorp Genetics (formerly Invitae), Labcorp
Classification: Uncertain significance for McKusick-Kaufman syndrome; Bardet-Biedl syndrome. Last evaluated: 2023-11-20. Review status: criteria provided, single submitter. Criteria: Invitae Variant Classification Sherloc (09022015). Collection method: clinical testing. Allele origin: germline.
Comment: This sequence change replaces lysine, which is basic and polar, with arginine, which is basic and polar, at codon 358 of the MKKS protein (p.Lys358Arg). This variant is present in population databases (no rsID available, gnomAD 0.0009%). This variant has not been reported in the literature in individuals affected with MKKS-related conditions. ClinVar contains an entry for this variant (Variation ID: 1413144). Advanced modeling of protein sequence and biophysical properties (such as structural, functional, and spatial information, amino acid conservation, physicochemical variation, residue mobility, and thermodynamic stability) performed at Invitae indicates that this missense variant is not expected to disrupt MKKS protein function with a negative predictive value of 80%. In summary, the available evidence is currently insufficient to determine the role of this variant in disease. Therefore, it has been classified as a Variant of Uncertain Significance.

NM_170784.3(MKKS):c.1073A>G (p.Lys358Arg)

Gene: MKKS (MKKS centrosomal shuttling protein; minus strand). Cytogenetic location: 20p12.2.
Variant type: single nucleotide variant.
Coding change: c.1073A>G on transcript NM_170784.3 (MANE Select); coding-DNA position 1073, A replaced by G.
Protein change: p.Lys358Arg; replaces lysine 358 with arginine.
Molecular consequence: missense variant. On other transcripts: non-coding transcript variant (1).
Genome position (GRCh38, 1-based): chr20:10,408,716, T>C on the plus strand (A>G on the coding strand, the complement: MKKS is on the minus strand). VCF-style: chr20-10408716-T-C. GRCh37 (hg19) VCF-style: chr20-10389364-T-C.
Other names: c.1073A>G, p.Lys358Arg (NM_018848.3); short protein forms K358R.
Identifiers: ClinVar variation 1413144 (VCV001413144.8), dbSNP rs1455491260, ClinGen allele CA408231725.